The following is an entry in ClinVar:

NM_006080.3(SEMA3A):c.2009C>G (p.Thr670Arg)

Gene: SEMA3A (semaphorin 3A; minus strand). Cytogenetic location: 7q21.11.
Variant type: single nucleotide variant.
Coding change: c.2009C>G on transcript NM_006080.3 (MANE Select); coding-DNA position 2009, C replaced by G.
Protein change: p.Thr670Arg; replaces threonine 670 with arginine.
Molecular consequence: missense variant.
Genome position (GRCh38, 1-based): chr7:83,961,678, G>C on the plus strand (C>G on the coding strand, the complement: SEMA3A is on the minus strand). VCF-style: chr7-83961678-G-C. GRCh37 (hg19) VCF-style: chr7-83590994-G-C.
Other names: short protein forms T670R.
Identifiers: ClinVar variation 3351963 (VCV003351963.2).

ClinVar aggregate classification (germline): Uncertain significance. Review status: criteria provided, single submitter (1 of 4 stars). 2 submissions from 2 submitters: Uncertain significance (1). 1 of the submissions does not count toward it. Last evaluated 2025-02-09.

Conditions:
Inborn genetic diseases. Identifiers: MedGen C0950123, MeSH D030342.
SEMA3A-related disorder. Also called: SEMA3A-related condition.

gnomAD v4.1: 40 of 1,613,692 alleles (0.0025%); highest among the groups gnomAD compares: African/African-American, 0.004%; no homozygotes.

Submissions (2):

Ambry Genetics
Classification: Uncertain significance for Inborn genetic diseases. Last evaluated: 2025-02-09. Review status: criteria provided, single submitter. Criteria: Ambry Variant Classification Scheme 2023. Collection method: clinical testing. Allele origin: germline.

PreventionGenetics, part of Exact Sciences
Classification: Uncertain significance for SEMA3A-related condition. Last evaluated: 2024-05-04. Review status: no assertion criteria provided. Collection method: clinical testing. Allele origin: germline. Not counted in ClinVar's aggregate classification.
Comment: The SEMA3A c.2009C>G variant is predicted to result in the amino acid substitution p.Thr670Arg. To our knowledge, this variant has not been reported in the literature. This variant is reported in 0.0040% of alleles in individuals of European (Finnish) descent in gnomAD. At this time, the clinical significance of this variant is uncertain due to the absence of conclusive functional and genetic evidence.